The following is an entry in ClinVar:

ClinVar aggregate classification (germline): Uncertain significance. Review status: criteria provided, multiple submitters, no conflicts (2 of 4 stars). 2 submissions from 2 submitters: Uncertain significance (2). Last evaluated 2025-08-26.

Conditions:
Inborn genetic diseases. Identifiers: MedGen C0950123, MeSH D030342.
Fanconi anemia complementation group E (FANCE). Also called: FANCE-Related Fanconi Anemia. Identifiers: Orphanet 84, MedGen C3160739, MONDO:0010953, OMIM 600901.

gnomAD v4.1: 2 of 1,315,338 alleles (0.00015%); no homozygotes.

Submissions (2):

Ambry Genetics
Classification: Uncertain significance for Inborn genetic diseases. Last evaluated: 2025-08-26. Review status: criteria provided, single submitter. Criteria: Ambry Variant Classification Scheme 2023. Collection method: clinical testing. Allele origin: germline.

Labcorp Genetics (formerly Invitae), Labcorp
Classification: Uncertain significance for Fanconi anemia complementation group E. Last evaluated: 2024-09-18. Review status: criteria provided, single submitter. Criteria: Invitae Variant Classification Sherloc (09022015). Collection method: clinical testing. Allele origin: germline.
Comment: This sequence change replaces glutamic acid, which is acidic and polar, with aspartic acid, which is acidic and polar, at codon 82 of the FANCE protein (p.Glu82Asp). This variant is not present in population databases (gnomAD no frequency). This variant has not been reported in the literature in individuals affected with FANCE-related conditions. ClinVar contains an entry for this variant (Variation ID: 2556353). An algorithm developed to predict the effect of missense changes on protein structure and function (PolyPhen-2) suggests that this variant is likely to be disruptive. In summary, the available evidence is currently insufficient to determine the role of this variant in disease. Therefore, it has been classified as a Variant of Uncertain Significance.

NM_021922.3(FANCE):c.246G>C (p.Glu82Asp)

Genes: FANCE (FA complementation group E; plus strand), LOC129996245 (ATAC-STARR-seq lymphoblastoid silent region 17092; plus strand). Cytogenetic location: 6p21.31.
Variant type: single nucleotide variant.
Coding change: c.246G>C on transcript NM_021922.3 (MANE Select); coding-DNA position 246, G replaced by C.
Protein change: p.Glu82Asp; replaces glutamic acid 82 with aspartic acid.
Molecular consequence: missense variant.
Genome position (GRCh38, 1-based): chr6:35,452,791, G>C. VCF-style: chr6-35452791-G-C. GRCh37 (hg19) VCF-style: chr6-35420568-G-C.
Other names: c.246G>C, p.Glu82Asp (NM_001410876.1); short protein forms E82D.
Identifiers: ClinVar variation 2556353 (VCV002556353.5), dbSNP rs769779495, ClinGen allele CA363770963.